The following is an entry in ClinVar:

ClinVar aggregate classification (germline): Uncertain significance. Review status: criteria provided, multiple submitters, no conflicts (2 of 4 stars). 7 submissions from 7 submitters: Uncertain significance (7). Last evaluated 2026-09-18.

Conditions:
Early-onset myopathy with fatal cardiomyopathy (CMYO5). Also called: Salih Myopathy; CONGENITAL MYOPATHY 5 WITH CARDIOMYOPATHY. Identifiers: Orphanet 289377, MedGen C2673677, MONDO:0012714, OMIM 611705. Disease mechanism: loss of function.
TTN-related disorder. Also called: TTN-related disorders; TTN-related condition; TTN-related disease.
Dilated cardiomyopathy 1G (CMD1G). Identifiers: Orphanet 154, MedGen C1858763, MONDO:0011400, OMIM 604145.
Autosomal recessive limb-girdle muscular dystrophy type 2J (LGMDR10). Also called: Limb-girdle muscular dystrophy, type 2J; MUSCULAR DYSTROPHY, LIMB-GIRDLE, AUTOSOMAL RECESSIVE 10. Identifiers: Orphanet 140922, MedGen C1837342, MONDO:0012127, OMIM 608807.
Tibial muscular dystrophy (TMD). Also called: UDD MYOPATHY; Tibial muscular dystrophy, tardive; Udd Distal Myopathy – Tibial Muscular Dystrophy. Identifiers: Orphanet 609, MedGen C1838244, MONDO:0010870, OMIM 600334.
Myopathy, myofibrillar, 9, with early respiratory failure (MFM9). Also called: Hereditary myopathy with early respiratory failure; MYOPATHY, PROXIMAL, WITH EARLY RESPIRATORY MUSCLE INVOLVEMENT; Myopathy, distal, with early respiratory failure, autosomal dominant; EDSTROM MYOPATHY. Identifiers: Orphanet 178464, Orphanet 34521, MedGen C1863599, MONDO:0011362, OMIM 603689.
Hypertrophic cardiomyopathy 9. Also called: Familial hypertrophic cardiomyopathy 9. Identifiers: MedGen C1861065, MONDO:0013412, OMIM 613765.

Allele frequency attached by ClinVar (database versions not stated): ExAC 0.00002; gnomAD exomes 0.00004; gnomAD 0.00006; TOPMed 0.00006.
gnomAD v4.1: 47 of 1,613,436 alleles (0.0029%); highest among the groups gnomAD compares: Non-Finnish European, 0.0038%; no homozygotes.

Submissions (7):

PreventionGenetics, part of Exact Sciences
Classification: Uncertain significance for TTN-related condition. Last evaluated: 2026-09-18. Review status: criteria provided, single submitter. Criteria: ACMG Guidelines, 2015. Collection method: clinical testing. Allele origin: germline.
Comment: The TTN c.85976A>C variant is predicted to result in the amino acid substitution p.Lys28659Thr. To our knowledge, this variant has not been reported in the literature. This variant is reported in 0.0071% of alleles in individuals of European (Non-Finnish) descent in gnomAD. At this time, the clinical significance of this variant is uncertain due to the absence of conclusive functional and genetic evidence.

CeGaT Center for Human Genetics Tuebingen
Classification: Uncertain significance. Last evaluated: 2026-02-01. Review status: criteria provided, single submitter. Criteria: CeGaT Center For Human Genetics Tuebingen Variant Classification Criteria Version 2. Collection method: clinical testing. Allele origin: germline. Affected: yes. Observed: 2 variant alleles.
Comment: TTN: PM2, BP4

Revvity Omics, Revvity
Classification: Uncertain significance. Last evaluated: 2024-01-23. Review status: criteria provided, single submitter. Criteria: ACMG Guidelines, 2015. Collection method: clinical testing. Allele origin: germline.

Fulgent Genetics
Classification: Uncertain significance for Tibial muscular dystrophy; Myopathy, myofibrillar, 9, with early respiratory failure; Dilated cardiomyopathy 1G; Autosomal recessive limb-girdle muscular dystrophy type 2J; Early-onset myopathy with fatal cardiomyopathy; Hypertrophic cardiomyopathy 9. Last evaluated: 2021-09-17. Review status: criteria provided, single submitter. Criteria: ACMG Guidelines, 2015. Collection method: clinical testing. Allele origin: unknown.

Baylor Genetics
Classification: Uncertain significance for Early-onset myopathy with fatal cardiomyopathy. Last evaluated: 2019-12-03. Review status: criteria provided, single submitter. Criteria: ACMG Guidelines, 2015. Collection method: clinical testing. Allele origin: unknown. Affected: yes.
Comment: This variant was determined to be of uncertain significance according to ACMG Guidelines, 2015 [PMID:25741868].

Labcorp Genetics (formerly Invitae), Labcorp
Classification: Uncertain significance for Dilated cardiomyopathy 1G; Autosomal recessive limb-girdle muscular dystrophy type 2J. Last evaluated: 2017-04-28. Review status: criteria provided, single submitter. Criteria: Invitae Variant Classification Sherloc (09022015). Collection method: clinical testing. Allele origin: germline.

Breakthrough Genomics
Classification: Uncertain significance. Review status: criteria provided, single submitter. Criteria: ACMG Guidelines, 2015. Collection method: not provided. Allele origin: germline. Inheritance: Autosomal recessive inheritance. Affected: yes.

NM_001267550.2(TTN):c.85976A>C (p.Lys28659Thr)

Genes: TTN (titin; minus strand), TTN-AS1 (TTN antisense RNA 1; plus strand). Cytogenetic location: 2q31.2.
Variant type: single nucleotide variant.
Coding change: c.85976A>C on transcript NM_001267550.2 (MANE Select); coding-DNA position 85976, A replaced by C.
Protein change: p.Lys28659Thr; replaces lysine 28659 with threonine.
Molecular consequence: missense variant.
Genome position (GRCh38, 1-based): chr2:178,560,156, T>G on the plus strand (A>C on the coding strand, the complement: TTN is on the minus strand). VCF-style: chr2-178560156-T-G. GRCh37 (hg19) VCF-style: chr2-179424883-T-G.
Other names: c.81053A>C, p.Lys27018Thr (NM_001256850.1); c.58781A>C, p.Lys19594Thr (NM_003319.4); c.78272A>C, p.Lys26091Thr (NM_133378.4); c.59156A>C, p.Lys19719Thr (NM_133432.3); c.59357A>C, p.Lys19786Thr (NM_133437.4); short protein forms K28659T, K19719T, K19594T, K19786T, K27018T, K26091T.
Identifiers: ClinVar variation 467575 (VCV000467575.49), dbSNP rs200724395, ClinGen allele CA1988568.
Genomic context (GRCh38, chr2:178,560,156, plus strand): 5'-CCATCAAACAGCGGCTTAACCCAGGCAATAGTTATAGTTGTCTTGCCTGAGTCCACAATT[T>G]TGGGTTTGGATGGAGGAGATGGTAGGAACACTGGATCTTCTGCCCTAATTAAGGGAGAGG-3'
Protein context (NP_001254479.2, residues 28649-28669): VFLPSPPSKP[Lys28659Thr]IVDSGKTTIT